The following is an entry in ClinVar:

NM_058216.3(RAD51C):c.464dup (p.Val156fs)

Gene: RAD51C (RAD51 paralog C; plus strand). Cytogenetic location: 17q22.
Variant type: Duplication.
Coding change: c.464dup on transcript NM_058216.3 (MANE Select); coding-DNA position 464, one base duplicated (C; older notation c.464dupC).
Protein change: p.Val156fs; shifts the reading frame from valine 156.
Molecular consequence: frameshift variant.
Genome position (GRCh38, 1-based): chr17:58,696,752, C duplicated. VCF-style (leftmost placement, unchanged base first): chr17-58696751-G-GC. GRCh37 (hg19) VCF-style: chr17-56774112-G-GC.
Other names: c.464dupC (NM_058216.1); short protein forms V156fs.
Identifiers: ClinVar variation 1742172 (VCV001742172.2), dbSNP rs2509281880, ClinGen allele CA2580094417.
Genomic context (GRCh38, chr17:58,696,751, plus strand): 5'-AGTATGCAGTTGGCAGTAGATGTGCAGATACCAGAATGTTTTGGAGGAGTGGCAGGTGAA[G>GC]CAGTTTTTATTGATACAGAGGGAAGTTTTATGGTTGATAGAGTGGTAGACCTTGCTACTG-3'

ClinVar aggregate classification (germline): Pathogenic (1 of 4 stars; one submission).

Conditions:
Hereditary cancer-predisposing syndrome. Also called: Hereditary Cancer Syndrome; Hereditary neoplastic syndrome; Neoplastic Syndromes, Hereditary; Tumor predisposition. Identifiers: Orphanet 140162, MedGen C0027672, MeSH D009386, MONDO:0015356.

Submission:

Ambry Genetics
Classification: Pathogenic for Hereditary cancer-predisposing syndrome. Last evaluated: 2021-02-25. Review status: criteria provided, single submitter. Criteria: Ambry Variant Classification Scheme 2023. Collection method: clinical testing. Allele origin: germline.
Comment: The c.464dupC pathogenic mutation, located in coding exon 3 of the RAD51C gene, results from a duplication of C at nucleotide position 464, causing a translational frameshift with a predicted alternate stop codon (p.V156Sfs*4). This alteration is expected to result in loss of function by premature protein truncation or nonsense-mediated mRNA decay. As such, this alteration is interpreted as a disease-causing mutation.